The following is an entry in ClinVar:

NM_031935.3(HMCN1):c.5389G>C (p.Val1797Leu)

Gene: HMCN1 (hemicentin 1; plus strand). Cytogenetic location: 1q31.1.
Variant type: single nucleotide variant.
Coding change: c.5389G>C on transcript NM_031935.3 (MANE Select); coding-DNA position 5389, G replaced by C.
Protein change: p.Val1797Leu; replaces valine 1797 with leucine.
Molecular consequence: missense variant.
Genome position (GRCh38, 1-based): chr1:186,018,271, G>C. VCF-style: chr1-186018271-G-C. GRCh37 (hg19) VCF-style: chr1-185987403-G-C.
Other names: short protein forms V1797L.
Identifiers: ClinVar variation 2079987 (VCV002079987.4), dbSNP rs1654492324, ClinGen allele CA343890979.

ClinVar aggregate classification (germline): Uncertain significance (1 of 4 stars; one submission).

gnomAD v4.1: 3 of 1,612,960 alleles (0.00019%); highest among the groups gnomAD compares: Non-Finnish European, 0.00025%; no homozygotes.

Submission:

Labcorp Genetics (formerly Invitae), Labcorp
Classification: Uncertain significance. Last evaluated: 2022-09-15. Review status: criteria provided, single submitter. Criteria: Invitae Variant Classification Sherloc (09022015). Collection method: clinical testing. Allele origin: germline.
Comment: This sequence change replaces valine, which is neutral and non-polar, with leucine, which is neutral and non-polar, at codon 1797 of the HMCN1 protein (p.Val1797Leu). This variant is not present in population databases (gnomAD no frequency). This variant has not been reported in the literature in individuals affected with HMCN1-related conditions. Algorithms developed to predict the effect of missense changes on protein structure and function are either unavailable or do not agree on the potential impact of this missense change (SIFT: "Tolerated"; PolyPhen-2: "Probably Damaging"; Align-GVGD: "Class C0"). In summary, the available evidence is currently insufficient to determine the role of this variant in disease. Therefore, it has been classified as a Variant of Uncertain Significance.